The following is an entry in ClinVar:

NM_000264.5(PTCH1):c.2391C>A (p.Tyr797Ter)

Genes: PTCH1 (patched 1; minus strand), LOC100507346 (uncharacterized LOC100507346; plus strand). Cytogenetic location: 9q22.32.
Variant type: single nucleotide variant.
Coding change: c.2391C>A on transcript NM_000264.5 (MANE Select); coding-DNA position 2391, C replaced by A.
Protein change: p.Tyr797Ter; replaces tyrosine 797 with a stop codon.
Molecular consequence: nonsense.
Genome position (GRCh38, 1-based): chr9:95,467,285, G>T on the plus strand (C>A on the coding strand, the complement: PTCH1 is on the minus strand). VCF-style: chr9-95467285-G-T. GRCh37 (hg19) VCF-style: chr9-98229567-G-T.
Other names: c.2193C>A, p.Tyr731Ter (NM_001083602.3); c.2388C>A, p.Tyr796Ter (NM_001083603.3); c.1938C>A, p.Tyr646Ter (NM_001083604.3, NM_001083605.3, NM_001083606.3 and 1 more transcripts); c.2235C>A, p.Tyr745Ter (NM_001354918.2); short protein forms Y731*, Y797*, Y745*, Y796*, Y646*.
Identifiers: ClinVar variation 237471 (VCV000237471.9), dbSNP rs778260156, ClinGen allele CA10582679.

ClinVar aggregate classification (germline): Pathogenic (1 of 4 stars; one submission).

Conditions:
Gorlin syndrome. Also called: Nevoid Basal Cell Carcinoma Syndrome; Basal cell nevus syndrome. Identifiers: Orphanet 377, MedGen C0004779, MONDO:0007187.

Submission:

Labcorp Genetics (formerly Invitae), Labcorp
Classification: Pathogenic for Gorlin syndrome. Last evaluated: 2021-04-26. Review status: criteria provided, single submitter. Criteria: Invitae Variant Classification Sherloc (09022015). Collection method: clinical testing. Allele origin: germline.
Comment: This variant is not present in population databases (ExAC no frequency). This variant has been observed in individual(s) with basal cell nevus syndrome (PMID: 17349603). ClinVar contains an entry for this variant (Variation ID: 237471). For these reasons, this variant has been classified as Pathogenic. This sequence change creates a premature translational stop signal (p.Tyr797*) in the PTCH1 gene. It is expected to result in an absent or disrupted protein product. Loss-of-function variants in PTCH1 are known to be pathogenic (PMID: 16301862, 16419085).

Literature cited by the submitters: PubMed 17349603; PubMed 16301862; PubMed 16419085.